The following is an entry in ClinVar:

NM_198576.4(AGRN):c.95C>G (p.Pro32Arg)

Gene: AGRN (agrin; plus strand). Cytogenetic location: 1p36.33.
Variant type: single nucleotide variant.
Coding change: c.95C>G on transcript NM_198576.4 (MANE Select); coding-DNA position 95, C replaced by G.
Protein change: p.Pro32Arg; replaces proline 32 with arginine.
Molecular consequence: missense variant.
Genome position (GRCh38, 1-based): chr1:1,020,267, C>G. VCF-style: chr1-1020267-C-G. GRCh37 (hg19) VCF-style: chr1-955647-C-G.
Other names: c.95C>G, p.Pro32Arg (NM_001305275.2); short protein forms P32R.
Identifiers: ClinVar variation 2158791 (VCV002158791.1), dbSNP rs1194105483, ClinGen allele CA337810094.

ClinVar aggregate classification (germline): Uncertain significance (1 of 4 stars; one submission).

Conditions:
Congenital myasthenic syndrome 8. Also called: MYASTHENIC SYNDROME, CONGENITAL, DUE TO AGRIN DEFICIENCY; Myasthenic syndrome, congenital, 8, with pre- and postsynaptic defects. Identifiers: Orphanet 590, MedGen C3808739, MONDO:0014052, OMIM 615120.

gnomAD v4.1: 5 of 1,467,974 alleles (0.00034%); highest among the groups gnomAD compares: Non-Finnish European, 0.00045%; no homozygotes.

Submission:

Labcorp Genetics (formerly Invitae), Labcorp
Classification: Uncertain significance for Congenital myasthenic syndrome 8. Last evaluated: 2022-08-09. Review status: criteria provided, single submitter. Criteria: Invitae Variant Classification Sherloc (09022015). Collection method: clinical testing. Allele origin: germline.
Comment: This sequence change replaces proline, which is neutral and non-polar, with arginine, which is basic and polar, at codon 32 of the AGRN protein (p.Pro32Arg). This variant is not present in population databases (gnomAD no frequency). This variant has not been reported in the literature in individuals affected with AGRN-related conditions. Algorithms developed to predict the effect of missense changes on protein structure and function are either unavailable or do not agree on the potential impact of this missense change (SIFT: "Deleterious"; PolyPhen-2: "Not Available"; Align-GVGD: "Class C0"). In summary, the available evidence is currently insufficient to determine the role of this variant in disease. Therefore, it has been classified as a Variant of Uncertain Significance.